The following is an entry in ClinVar:

NC_000014.8:g.(?_68248227)_(68266265_?)del

Gene: ZFYVE26 (zinc finger FYVE-type containing 26; minus strand). Cytogenetic location: 14q24.1.
Variant type: Deletion.
Identifiers: ClinVar variation 3243956 (VCV003243956.1).

ClinVar aggregate classification (germline): Pathogenic (1 of 4 stars; one submission).

Conditions:
Spastic paraplegia. Identifiers: MedGen C0037772, HP:0001258.

Submission:

Labcorp Genetics (formerly Invitae), Labcorp
Classification: Pathogenic for Spastic paraplegia. Last evaluated: 2023-11-22. Review status: criteria provided, single submitter. Criteria: Invitae Variant Classification Sherloc (09022015). Collection method: clinical testing. Allele origin: unknown.
Comment: This variant results in the deletion of exons 11-21 and part of exon 22 (c.1640-926_4392del) of the ZFYVE26 gene. It is expected to disrupt RNA splicing. Variants that disrupt the donor or acceptor splice site typically lead to a loss of protein function (PMID: 16199547), and loss-of-function variants in ZFYVE26 are known to be pathogenic (PMID: 18394578, 19805727). This variant has not been reported in the literature in individuals affected with ZFYVE26-related conditions. This variant disrupts a region of the ZFYVE26 protein in which other variant(s) (p.Leu880Pro) have been determined to be pathogenic (PMID: 26492578). This suggests that this is a clinically significant region of the protein, and that variants that disrupt it are likely to be disease-causing. For these reasons, this variant has been classified as Pathogenic.

Literature cited by the submitters: PubMed 16199547; PubMed 18394578; PubMed 19805727; PubMed 26492578.